The following is an entry in ClinVar:

ClinVar aggregate classification (germline): Uncertain significance. Review status: criteria provided, multiple submitters, no conflicts (2 of 4 stars). 2 submissions from 2 submitters: Uncertain significance (2). Last evaluated 2025-08-23.

Conditions:
Microcephaly-intellectual disability-sensorineural hearing loss-epilepsy-abnormal muscle tone syndrome (NEDHSB). Also called: NEURODEVELOPMENTAL DISORDER WITH HEARING LOSS, SEIZURES, AND BRAIN ABNORMALITIES. Identifiers: Orphanet 457351, MedGen C4225276, MONDO:0014698, OMIM 616577.
Inborn genetic diseases. Identifiers: MedGen C0950123, MeSH D030342.

Allele frequency attached by ClinVar (database versions not stated): gnomAD exomes below 0.00001.
gnomAD v4.1: 9 of 1,603,948 alleles (0.00056%); highest among the groups gnomAD compares: South Asian, 0.0034%; no homozygotes.

Submissions (2):

Ambry Genetics
Classification: Uncertain significance for Inborn genetic diseases. Last evaluated: 2025-08-23. Review status: criteria provided, single submitter. Criteria: Ambry Variant Classification Scheme 2023. Collection method: clinical testing. Allele origin: germline.

Labcorp Genetics (formerly Invitae), Labcorp
Classification: Uncertain significance for Microcephaly-intellectual disability-sensorineural hearing loss-epilepsy-abnormal muscle tone syndrome. Last evaluated: 2023-08-04. Review status: criteria provided, single submitter. Criteria: Invitae Variant Classification Sherloc (09022015). Collection method: clinical testing. Allele origin: germline.
Comment: In summary, the available evidence is currently insufficient to determine the role of this variant in disease. Therefore, it has been classified as a Variant of Uncertain Significance. Advanced modeling of protein sequence and biophysical properties (such as structural, functional, and spatial information, amino acid conservation, physicochemical variation, residue mobility, and thermodynamic stability) performed at Invitae indicates that this missense variant is expected to disrupt SPATA5 protein function. ClinVar contains an entry for this variant (Variation ID: 963121). This variant has not been reported in the literature in individuals affected with SPATA5-related conditions. The frequency data for this variant in the population databases is considered unreliable, as metrics indicate poor data quality at this position in the gnomAD database. This sequence change replaces arginine, which is basic and polar, with cysteine, which is neutral and slightly polar, at codon 436 of the SPATA5 protein (p.Arg436Cys).

NM_145207.3(AFG2A):c.1306C>T (p.Arg436Cys)

Gene: AFG2A (AAA ATPase AFG2A; plus strand). Cytogenetic location: 4q28.1.
Variant type: single nucleotide variant.
Coding change: c.1306C>T on transcript NM_145207.3 (MANE Select); coding-DNA position 1306, C replaced by T.
Protein change: p.Arg436Cys; replaces arginine 436 with cysteine.
Molecular consequence: missense variant.
Genome position (GRCh38, 1-based): chr4:122,936,128, C>T. VCF-style: chr4-122936128-C-T. GRCh37 (hg19) VCF-style: chr4-123857283-C-T.
Other names: c.1303C>T, p.Arg435Cys (NM_001317799.2, NM_001345856.2); short protein forms R436C, R435C.
Identifiers: ClinVar variation 963121 (VCV000963121.6), dbSNP rs1247048378, ClinGen allele CA358105054.
Genomic context (GRCh38, chr4:122,936,128, plus strand): 5'-AATGGTCTTTAAATGTATTTTATTTGTTACAGATTCTATGGTGAGACTGAAGCAAAGTTA[C>T]GTCAGATATTTGCTGAAGCCACTCTACGGTACTCTTTATTTTTAAATGTTTTGGAATTAA-3'
Protein context (NP_660208.2, residues 426-446): KFYGETEAKL[Arg436Cys]QIFAEATLRH